The following is an entry in ClinVar:

ClinVar aggregate classification (germline): Pathogenic. Review status: reviewed by expert panel (3 of 4 stars). 4 submissions from 4 submitters: Pathogenic (1). 3 of the submissions do not count toward it. Last evaluated 2025-08-26.

Conditions:
Autosomal recessive limb-girdle muscular dystrophy. Identifiers: Orphanet 102015, MedGen C2931907, MONDO:0015152.
Neuromuscular disease caused by qualitative or quantitative defects of dysferlin. Also called: Qualitative or quantitative defects of dysferlin; Dysferlinopathy. Identifiers: Orphanet 207073, MedGen C2931687, MONDO:0016145.

Submissions (4):

ClinGen Limb Girdle Muscular Dystrophy Variant Curation Expert Panel, ClinGen
Classification: Pathogenic for Autosomal recessive limb-girdle muscular dystrophy. Last evaluated: 2025-08-26. Review status: reviewed by expert panel. Criteria: ClinGen LGMD VCEP ACMG Specifications DYSF V1.0.0. Collection method: curation. Allele origin: germline. Inheritance: Autosomal recessive inheritance.
Comment: The NM_003494.4: c.907-3C>A variant in DYSF, which is also known as NM_001130987.2: c.1003-3C>A, occurs within the splice acceptor region of intron 9. SpliceAI gives a score of 0.46 for acceptor loss. RNAseq analysis has demonstrated abnormal splicing due to this variant, including skipping of exon 10 and skipping of both exons 9 and 10. Both events led to a frameshift and premature truncation with nonsense mediated decay expected: p.Cys1685SerfsTer36 and p.Ser1687TyrfsTer20; however, the possibility for retention of some degree of constitutive splicing was not ruled out (PVS1_Strong_RNA; PMID: 36983702). This variant has been reported in at least two individuals with features consistent with LGMD (PMID: 24488599, 36983702), including in unknown phase with a pathogenic variant in one patient (NM_003494.4: c.3805dup p.(Glu1269GlyfsTer7), 0.5 pts, PMID: 36983702) (PM3_Supporting). At least one patient with this variant and a second presumed diagnostic DYSF variant had both a clinical suspicion of LGMD and severely reduced or absent dysferlin protein expression on blood monocyte assay, which is highly specific for DYSF-related LGMD (PP4_Strong; PMID: 36983702, 24488599). This variant is absent from gnomAD v4.1.0 (PM2_Supporting). In summary, this variant meets the criteria to be classified as Pathogenic for autosomal recessive limb girdle muscular dystrophy based on the ACMG/AMP criteria applied, as specified by the ClinGen LGMD VCEP (LGMD VCEP specifications version 1.0.0; 08/26/2025): PVS1_Strong_RNA, PM3_Supporting, PP4_Strong, PM2_Supporting.

Labcorp Genetics (formerly Invitae), Labcorp
Classification: Pathogenic for Neuromuscular disease caused by qualitative or quantitative defects of dysferlin. Last evaluated: 2024-10-28. Review status: criteria provided, single submitter. Criteria: Invitae Variant Classification Sherloc (09022015). Collection method: clinical testing. Allele origin: germline. Not counted in ClinVar's aggregate classification.
Comment: This sequence change falls in intron 9 of the DYSF gene. It does not directly change the encoded amino acid sequence of the DYSF protein. RNA analysis indicates that this variant induces altered splicing and may result in an absent or altered protein product. This variant is not present in population databases (gnomAD no frequency). This variant has been observed in individual(s) with clinical features of DYSF-related conditions (PMID: 24488599; internal data). ClinVar contains an entry for this variant (Variation ID: 858180). Variants that disrupt the consensus splice site are a relatively common cause of aberrant splicing (PMID: 17576681, 9536098). Studies have shown that this variant results in activation of a cryptic splice site, and produces a non-functional protein and/or introduces a premature termination codon (PMID: 36983702). For these reasons, this variant has been classified as Pathogenic.

Revvity Omics, Revvity
Classification: Likely pathogenic. Last evaluated: 2024-02-12. Review status: criteria provided, single submitter. Criteria: ACMG Guidelines, 2015. Collection method: clinical testing. Allele origin: germline. Not counted in ClinVar's aggregate classification.

Jain Foundation
Classification: Likely pathogenic for Dysferlinopathy. Last evaluated: 2023-03-13. Review status: criteria provided, single submitter. Criteria: Rufibach et al. (J Pers Med. 2023). Collection method: research. Allele origin: unknown, not applicable. Inheritance: Autosomal recessive inheritance. Affected: yes. Observed: 1 compound heterozygote. Functional consequence: sequence_variant_affecting_splicing. Not counted in ClinVar's aggregate classification.
Comment: This variant is not present in population databases (gnomAD has no frequency). This variant has been reported in 2 individuals with dysferlinopathy in the heterozygous state in conjunction with another pathogenic (NM_003494.4:c.3805dupG (PMID: 36983702)) or likely pathogenic (NM_003494.4:c.2641A>C (PMID: 24488599) DYSF variant and is associated with the presence of disease range dysferlin protein levels. RNASeq analysis showed that the c.907-3C>A variant results in 2 abnormal splicing events - one the complete skipping of exon 10 and the second the complete skipping of both exon 9 and 10. These abnormal splicing events lead to the following frameshifting events p.Met303GlyfsX25 or p.Val286GlyfsX25 (PMID: 36983702). The ACMG classification criteria are: PM2 moderate, PM3 supporting, PP4 moderate, and PS3 strong. Based on the above data, this variant has been classified as Likely Pathogenic.

Literature cited by the submitters: PubMed 24488599 (cited by Labcorp Genetics (formerly Invitae), Labcorp and Jain Foundation); PubMed 17576681 (cited by Labcorp Genetics (formerly Invitae), Labcorp); PubMed 9536098 (cited by Labcorp Genetics (formerly Invitae), Labcorp); PubMed 36983702 (cited by Labcorp Genetics (formerly Invitae), Labcorp).

NM_001130987.2(DYSF):c.1003-3C>A

Gene: DYSF (dysferlin; plus strand). Cytogenetic location: 2p13.2.
Variant type: single nucleotide variant.
Coding change: c.1003-3C>A on transcript NM_001130987.2 (MANE Select); 3 bases into the intron before coding-DNA position 1003, C replaced by A.
Molecular consequence: intron variant.
Genome position (GRCh38, 1-based): chr2:71,520,175, C>A. VCF-style: chr2-71520175-C-A. GRCh37 (hg19) VCF-style: chr2-71747305-C-A.
Other names: c.1000-3C>A (NM_001130979.2, NM_001130981.2, NM_001130980.2); c.907-3C>A (NM_001130978.2, NM_003494.4, NM_001130977.2 and 1 more transcripts); c.1003-3C>A (NM_001130982.2, NM_001130985.2); c.910-3C>A (NM_001130983.2, NM_001130455.2, NM_001130984.2 and 1 more transcripts).
Identifiers: ClinVar variation 858180 (VCV000858180.13), dbSNP rs2087101244, ClinGen allele CA426699920.